The following is an entry in ClinVar:

NM_001204.7(BMPR2):c.1A>G (p.Met1Val)

Gene: BMPR2 (bone morphogenetic protein receptor type 2; plus strand). Cytogenetic location: 2q33.1.
Variant type: single nucleotide variant.
Coding change: c.1A>G on transcript NM_001204.7 (MANE Select); coding-DNA position 1, A replaced by G.
Protein change: p.Met1Val; changes the start codon (methionine 1).
Molecular consequence: missense variant, initiator codon variant.
Genome position (GRCh38, 1-based): chr2:202,377,475, A>G. VCF-style: chr2-202377475-A-G. GRCh37 (hg19) VCF-style: chr2-203242198-A-G.
Other names: p.Met1?; short protein forms M1V.
Identifiers: ClinVar variation 3766548 (VCV003766548.2).

ClinVar aggregate classification (germline): Conflicting classifications of pathogenicity. Review status: criteria provided, conflicting classifications (1 of 4 stars). 2 submissions from 2 submitters: Likely pathogenic (1); Uncertain significance (1). Last evaluated 2025-05-14.

Submissions (2):

Mayo Clinic Laboratories, Mayo Clinic
Classification: Likely pathogenic. Last evaluated: 2025-05-14. Review status: criteria provided, single submitter. Criteria: ACMG Guidelines, 2015. Collection method: clinical testing. Allele origin: germline. Observed: 1 variant allele.
Comment: PM2_supporting, PVS1_strong

ARUP Laboratories, Molecular Genetics and Genomics, ARUP Laboratories
Classification: Uncertain significance. Last evaluated: 2024-04-03. Review status: criteria provided, single submitter. Criteria: ARUP Molecular Germline Variant Investigation Process 2024. Collection method: clinical testing. Allele origin: germline.
Comment: The BMPR2 c.1A>G; p.Met1? variant, to our knowledge, is not reported in the medical literature or gene-specific databases. This variant is also absent from the Genome Aggregation Database (v2.1.1), indicating it is not a common polymorphism. This variant abolishes the canonical translation initiation site of the BMPR2 gene. While disruption of the initiation codon is likely to disrupt gene function, to our knowledge, other start-loss variants in this gene have not been reported in affected individuals. Given the lack of clinical and functional data, the significance of this variant is uncertain at this time.

Literature cited by the submitters: PubMed 20095988 (cited by Mayo Clinic Laboratories, Mayo Clinic); PubMed 22388934 (cited by Mayo Clinic Laboratories, Mayo Clinic); PubMed 22632830 (cited by Mayo Clinic Laboratories, Mayo Clinic); PubMed 23579436 (cited by Mayo Clinic Laboratories, Mayo Clinic).